The following is an entry in ClinVar:

NM_177438.3(DICER1):c.3768T>C (p.Pro1256=)

Gene: DICER1 (dicer 1, ribonuclease III; minus strand). Cytogenetic location: 14q32.13.
Variant type: single nucleotide variant.
Coding change: c.3768T>C on transcript NM_177438.3 (MANE Select); coding-DNA position 3768, T replaced by C.
Protein change: p.Pro1256=; no amino-acid change (proline 1256 retained).
Molecular consequence: synonymous variant. On other transcripts: non-coding transcript variant (6).
Genome position (GRCh38, 1-based): chr14:95,103,628, A>G on the plus strand (T>C on the coding strand, the complement: DICER1 is on the minus strand). VCF-style: chr14-95103628-A-G. GRCh37 (hg19) VCF-style: chr14-95569965-A-G.
Other names: c.3486T>C, p.Pro1162= (NM_001395686.1); c.3363T>C, p.Pro1121= (NM_001395687.1, NM_001395688.1, NM_001395689.1 and 2 more transcripts); c.3201T>C, p.Pro1067= (NM_001395691.1); c.3768T>C, p.Pro1256= (NM_001395692.1, NM_001395693.1, NM_001395694.1 and 13 more transcripts); c.2085T>C, p.Pro695= (NM_001395697.1).
Identifiers: ClinVar variation 2975298 (VCV002975298.5), dbSNP rs2542697776, ClinGen allele CA487844463.

ClinVar aggregate classification (germline): Benign/Likely benign. Review status: criteria provided, multiple submitters, no conflicts (2 of 4 stars). 3 submissions from 3 submitters: Benign (1); Likely benign (2). Last evaluated 2026-04-17.

Conditions:
Hereditary cancer-predisposing syndrome. Also called: Tumor predisposition; Neoplastic Syndromes, Hereditary; Hereditary neoplastic syndrome; Hereditary Cancer Syndrome. Identifiers: Orphanet 140162, MedGen C0027672, MeSH D009386, MONDO:0015356.
DICER1-related tumor predisposition. Also called: DICER1-related pleuropulmonary blastoma cancer predisposition syndrome; DICER1 syndrome. Identifiers: Orphanet 284343, MedGen C3839822, MONDO:0100216.

Submissions (3):

Myriad Genetics, Inc.
Classification: Benign for DICER1-related tumor predisposition. Last evaluated: 2026-04-17. Review status: criteria provided, single submitter. Criteria: Myriad Autosomal Dominant, Autosomal Recessive and X-Linked Classification Criteria (2023). Collection method: clinical testing. Allele origin: unknown.
Comment: This variant is considered benign. This variant is a silent/synonymous amino acid change and it is not expected to impact splicing.

Labcorp Genetics (formerly Invitae), Labcorp
Classification: Likely benign for DICER1-related tumor predisposition. Last evaluated: 2024-11-09. Review status: criteria provided, single submitter. Criteria: Invitae Variant Classification Sherloc (09022015). Collection method: clinical testing. Allele origin: germline.

Ambry Genetics
Classification: Likely benign for Hereditary cancer-predisposing syndrome. Last evaluated: 2024-07-05. Review status: criteria provided, single submitter. Criteria: Ambry Variant Classification Scheme 2023. Collection method: clinical testing. Allele origin: germline.